The following is an entry in ClinVar:

ClinVar aggregate classification (germline): Uncertain significance. Review status: criteria provided, multiple submitters, no conflicts (2 of 4 stars). 2 submissions from 2 submitters: Uncertain significance (2). Last evaluated 2023-03-29.

Conditions:
Fanconi anemia (FA). Also called: Fanconi's anemia. Identifiers: Orphanet 84, MedGen C0015625, MeSH D005199, MONDO:0019391.

Submissions (2):

Labcorp Genetics (formerly Invitae), Labcorp
Classification: Uncertain significance for Fanconi anemia. Last evaluated: 2023-03-29. Review status: criteria provided, single submitter. Criteria: Invitae Variant Classification Sherloc (09022015). Collection method: clinical testing. Allele origin: germline.
Comment: This variant is not present in population databases (gnomAD no frequency). This sequence change falls in intron 34 of the FANCA gene. It does not directly change the encoded amino acid sequence of the FANCA protein. It affects a nucleotide within the consensus splice site. This variant has not been reported in the literature in individuals affected with FANCA-related conditions. ClinVar contains an entry for this variant (Variation ID: 1692220). Variants that disrupt the consensus splice site are a relatively common cause of aberrant splicing (PMID: 17576681, 9536098). Algorithms developed to predict the effect of sequence changes on RNA splicing suggest that this variant may disrupt the consensus splice site. In summary, the available evidence is currently insufficient to determine the role of this variant in disease. Therefore, it has been classified as a Variant of Uncertain Significance.

Sema4
Classification: Uncertain significance for Fanconi anemia. Last evaluated: 2021-12-16. Review status: criteria provided, single submitter. Criteria: Sema4 Curation Guidelines. Collection method: curation. Allele origin: germline.
Comment: The FANCA c.3408+6A>T variant has not been reported in the literature to our knowledge. It was not observed in the large and broad cohorts of the Genome Aggregation Database. The variant has not been reported in ClinVar. In silico tools suggest that the variant does not impact splicing, though these predictions have not been confirmed by functional studies. The evidence is insufficient to meet ACMG/AMP criteria for classifying the variant as benign or pathogenic. Thus, the clinical significance of this variant is currently uncertain.

Literature cited by the submitters: PubMed 17576681 (cited by Labcorp Genetics (formerly Invitae), Labcorp); PubMed 9536098 (cited by Labcorp Genetics (formerly Invitae), Labcorp).

NM_000135.4(FANCA):c.3408+6A>T

Genes: FANCA (FA complementation group A; minus strand), LOC132090450 (Neanderthal introgressed variant-containing enhancer experimental_46718; plus strand). Cytogenetic location: 16q24.3.
Variant type: single nucleotide variant.
Coding change: c.3408+6A>T on transcript NM_000135.4 (MANE Select); 6 bases into the intron after coding-DNA position 3408, A replaced by T.
Molecular consequence: intron variant.
Genome position (GRCh38, 1-based): chr16:89,746,825, T>A on the plus strand (A>T on the coding strand, the complement: FANCA is on the minus strand). VCF-style: chr16-89746825-T-A. GRCh37 (hg19) VCF-style: chr16-89813233-T-A.
Other names: c.3408+6A>T (NM_001286167.3).
Identifiers: ClinVar variation 1692220 (VCV001692220.4), dbSNP rs1269046351, ClinGen allele CA725762474.